The following is an entry in ClinVar:

ClinVar aggregate classification (germline): Uncertain significance (1 of 4 stars; one submission).

Conditions:
Myofibrillar myopathy 5. Also called: Filaminopathy (type); FILAMINOPATHY, AUTOSOMAL DOMINANT. Identifiers: Orphanet 171445, MedGen C1836050, MONDO:0012289, OMIM 609524.
Hypertrophic cardiomyopathy 26. Also called: Cardiomyopathy, familial hypertrophic, 26. Identifiers: Orphanet 75249, MedGen C4310749, MONDO:0014883, OMIM 617047.
Distal myopathy with posterior leg and anterior hand involvement. Also called: WILLIAMS DISTAL MYOPATHY. Identifiers: Orphanet 63273, MedGen C3279722, MONDO:0013550, OMIM 614065.

Submission:

Labcorp Genetics (formerly Invitae), Labcorp
Classification: Uncertain significance for Distal myopathy with posterior leg and anterior hand involvement; Myofibrillar myopathy 5; Hypertrophic cardiomyopathy 26. Last evaluated: 2022-12-21. Review status: criteria provided, single submitter. Criteria: Invitae Variant Classification Sherloc (09022015). Collection method: clinical testing. Allele origin: germline.
Comment: This sequence change replaces aspartic acid, which is acidic and polar, with glycine, which is neutral and non-polar, at codon 1855 of the FLNC protein (p.Asp1855Gly). This variant is not present in population databases (gnomAD no frequency). This variant has not been reported in the literature in individuals affected with FLNC-related conditions. Advanced modeling of protein sequence and biophysical properties (such as structural, functional, and spatial information, amino acid conservation, physicochemical variation, residue mobility, and thermodynamic stability) has been performed at Invitae for this missense variant, however the output from this modeling did not meet the statistical confidence thresholds required to predict the impact of this variant on FLNC protein function. In summary, the available evidence is currently insufficient to determine the role of this variant in disease. Therefore, it has been classified as a Variant of Uncertain Significance.

NM_001458.5(FLNC):c.5564A>G (p.Asp1855Gly)

Genes: FLNC-AS1 (FLNC antisense RNA 1; minus strand), FLNC (filamin C; plus strand). Cytogenetic location: 7q32.1.
Variant type: single nucleotide variant.
Coding change: c.5564A>G on transcript NM_001458.5 (MANE Select); coding-DNA position 5564, A replaced by G.
Protein change: p.Asp1855Gly; replaces aspartic acid 1855 with glycine.
Molecular consequence: missense variant.
Genome position (GRCh38, 1-based): chr7:128,851,256, A>G. VCF-style: chr7-128851256-A-G. GRCh37 (hg19) VCF-style: chr7-128491310-A-G.
Other names: c.5465A>G, p.Asp1822Gly (NM_001127487.2); short protein forms D1822G, D1855G.
Identifiers: ClinVar variation 2924515 (VCV002924515.3), dbSNP rs1292152324, ClinGen allele CA369207278.
Genomic context (GRCh38, chr7:128,851,256, plus strand): 5'-ATGCTGACCCAGCCCCCTTTTTCTCTGTATCCCCAGGGAGCCCCTTACAGTTCTATGTGG[A>G]TGCCATCAACAGCCGCCATGTCAGTGCCTATGGGCCAGGCCTGAGCCATGGCATGGTCAA-3'
Protein context (NP_001449.3, residues 1845-1865): IPGSPLQFYV[Asp1855Gly]AINSRHVSAY